The following is an entry in ClinVar:

ClinVar aggregate classification (germline): Uncertain significance. Review status: criteria provided, multiple submitters, no conflicts (2 of 4 stars). 2 submissions from 2 submitters: Uncertain significance (2). Last evaluated 2025-06-27.

Conditions:
Mucopolysaccharidosis, MPS-IV-A (MPS4A). Also called: Morquio syndrome A, mild; MORQUIO SYNDROME A; GALACTOSAMINE-6-SULFATASE DEFICIENCY; GALNS DEFICIENCY; MORQUIO A DISEASE; Mucopolysaccharidosis type IV A. Identifiers: Orphanet 309297, Orphanet 582, MedGen C0086651, MONDO:0009659, OMIM 253000.

Submissions (2):

Women's Health and Genetics/Laboratory Corporation of America, LabCorp
Classification: Uncertain significance. Last evaluated: 2025-06-27. Review status: criteria provided, single submitter. Criteria: LabCorp Variant Classification Summary - May 2015. Collection method: clinical testing. Allele origin: germline.
Comment: Variant summary: GALNS c.1139G>A (p.Arg380Lys) results in a conservative amino acid change in the encoded protein sequence. Algorithms developed to predict the effect of missense changes on protein structure and function are either unavailable or do not agree on the potential impact of this missense change. Several computational tools predict a significant impact on normal splicing: Three predict the variant abolishes a 5' splicing donor site. One predict the variant weakens a 5' donor site. However, these predictions have yet to be confirmed by functional studies. The variant was absent in 247038 control chromosomes. The available data on variant occurrences in the general population are insufficient to allow any conclusion about variant significance. To our knowledge, no occurrence of c.1139G>A in individuals affected with Mucopolysaccharidosis Type IVA (Morquio Syndrome A) and no experimental evidence demonstrating its impact on protein function have been reported. ClinVar contains an entry for this variant (Variation ID: 2025999). Based on the evidence outlined above, the variant was classified as uncertain significance.

Labcorp Genetics (formerly Invitae), Labcorp
Classification: Uncertain significance for Mucopolysaccharidosis, MPS-IV-A. Last evaluated: 2022-08-22. Review status: criteria provided, single submitter. Criteria: Invitae Variant Classification Sherloc (09022015). Collection method: clinical testing. Allele origin: germline.
Comment: This variant disrupts the p.Arg380 amino acid residue in GALNS. Other variant(s) that disrupt this residue have been determined to be pathogenic (PMID: 15309681, 17876718, 24726177). This suggests that this residue is clinically significant, and that variants that disrupt this residue are likely to be disease-causing. This sequence change replaces arginine, which is basic and polar, with lysine, which is basic and polar, at codon 380 of the GALNS protein (p.Arg380Lys). This variant also falls at the last nucleotide of exon 10, which is part of the consensus splice site for this exon. This variant is not present in population databases (gnomAD no frequency). This variant has not been reported in the literature in individuals affected with GALNS-related conditions. Algorithms developed to predict the effect of missense changes on protein structure and function (SIFT, PolyPhen-2, Align-GVGD) all suggest that this variant is likely to be tolerated. Variants that disrupt the consensus splice site are a relatively common cause of aberrant splicing (PMID: 17576681, 9536098). Algorithms developed to predict the effect of sequence changes on RNA splicing suggest that this variant may disrupt the consensus splice site. In summary, the available evidence is currently insufficient to determine the role of this variant in disease. Therefore, it has been classified as a Variant of Uncertain Significance.

Literature cited by the submitters: PubMed 15309681 (cited by Labcorp Genetics (formerly Invitae), Labcorp); PubMed 17876718 (cited by Labcorp Genetics (formerly Invitae), Labcorp); PubMed 24726177 (cited by Labcorp Genetics (formerly Invitae), Labcorp); PubMed 17576681 (cited by Labcorp Genetics (formerly Invitae), Labcorp); PubMed 9536098 (cited by Labcorp Genetics (formerly Invitae), Labcorp).

NM_000512.5(GALNS):c.1139G>A (p.Arg380Lys)

Gene: GALNS (galactosamine (N-acetyl)-6-sulfatase; minus strand). Cytogenetic location: 16q24.3.
Variant type: single nucleotide variant.
Coding change: c.1139G>A on transcript NM_000512.5 (MANE Select); coding-DNA position 1139, G replaced by A.
Protein change: p.Arg380Lys; replaces arginine 380 with lysine.
Molecular consequence: missense variant.
Genome position (GRCh38, 1-based): chr16:88,826,702, C>T on the plus strand (G>A on the coding strand, the complement: GALNS is on the minus strand). VCF-style: chr16-88826702-C-T. GRCh37 (hg19) VCF-style: chr16-88893110-C-T.
Other names: c.584G>A, p.Arg195Lys (NM_001323543.2); c.1157G>A, p.Arg386Lys (NM_001323544.2); short protein forms R380K, R195K, R386K.
Identifiers: ClinVar variation 2025999 (VCV002025999.5), dbSNP rs2142995734, ClinGen allele CA397098124.